The following is an entry in ClinVar:

NM_053025.4(MYLK):c.1914C>G (p.Ser638Arg)

Gene: MYLK (myosin light chain kinase; minus strand). Cytogenetic location: 3q21.1.
Variant type: single nucleotide variant.
Coding change: c.1914C>G on transcript NM_053025.4 (MANE Select); coding-DNA position 1914, C replaced by G.
Protein change: p.Ser638Arg; replaces serine 638 with arginine.
Molecular consequence: missense variant.
Genome position (GRCh38, 1-based): chr3:123,709,784, G>C on the plus strand (C>G on the coding strand, the complement: MYLK is on the minus strand). VCF-style: chr3-123709784-G-C. GRCh37 (hg19) VCF-style: chr3-123428631-G-C.
Other names: c.1386C>G, p.Ser462Arg (NM_001321309.2); c.1707C>G, p.Ser569Arg (NM_053026.4, NM_053028.4); c.1914C>G, p.Ser638Arg (NM_053027.4); short protein forms S462R, S569R, S638R.
Identifiers: ClinVar variation 3401092 (VCV003401092.2).

ClinVar aggregate classification (germline): Uncertain significance. Review status: criteria provided, multiple submitters, no conflicts (2 of 4 stars). 2 submissions from 2 submitters: Uncertain significance (2). Last evaluated 2025-11-27.

Conditions:
Aortic aneurysm, familial thoracic 7 (AAT7). Also called: AORTIC DISSECTION, FAMILIAL, WITH OR WITHOUT AORTIC ANEURYSM. Identifiers: MedGen C3151077, MONDO:0013418, OMIM 613780.
Familial thoracic aortic aneurysm and aortic dissection (TAAD). Also called: Thoracic aortic aneurysms and dissections. Identifiers: Orphanet 91387, MedGen C4707243, MONDO:0019625.

gnomAD v4.1: 2 of 1,614,004 alleles (0.00012%); highest among the groups gnomAD compares: Non-Finnish European, 0.00017%; no homozygotes.

Submissions (2):

Labcorp Genetics (formerly Invitae), Labcorp
Classification: Uncertain significance for Aortic aneurysm, familial thoracic 7. Last evaluated: 2025-11-27. Review status: criteria provided, single submitter. Criteria: Invitae Variant Classification Sherloc (09022015). Collection method: clinical testing. Allele origin: germline.
Comment: This sequence change replaces serine, which is neutral and polar, with arginine, which is basic and polar, at codon 638 of the MYLK protein (p.Ser638Arg). This variant is not present in population databases (gnomAD no frequency). This variant has not been reported in the literature in individuals affected with MYLK-related conditions. ClinVar contains an entry for this variant (Variation ID: 3401092). Invitae Evidence Modeling of protein sequence and biophysical properties (such as structural, functional, and spatial information, amino acid conservation, physicochemical variation, residue mobility, and thermodynamic stability) has been performed for this missense variant. However, the output from this modeling did not meet the statistical confidence thresholds required to predict the impact of this variant on MYLK protein function. In summary, the available evidence is currently insufficient to determine the role of this variant in disease. Therefore, it has been classified as a Variant of Uncertain Significance.

Ambry Genetics
Classification: Uncertain significance for Familial thoracic aortic aneurysm and aortic dissection. Last evaluated: 2024-07-30. Review status: criteria provided, single submitter. Criteria: Ambry Variant Classification Scheme 2023. Collection method: clinical testing. Allele origin: germline.
Comment: The p.S638R variant (also known as c.1914C>G), located in coding exon 11 of the MYLK gene, results from a C to G substitution at nucleotide position 1914. The serine at codon 638 is replaced by arginine, an amino acid with dissimilar properties. This amino acid position is conserved. In addition, this alteration is predicted to be tolerated by in silico analysis. Based on the available evidence, the clinical significance of this variant remains unclear.